The following is an entry in ClinVar:

ClinVar aggregate classification (germline): Likely benign (1 of 4 stars; one submission).

Allele frequency attached by ClinVar (database versions not stated): 1000 Genomes Project 30x 0.00141; 1000 Genomes Project 0.00160; ExAC 0.00209; ESP Exome Variant Server 0.00254; gnomAD 0.00265; TOPMed 0.00320; gnomAD exomes 0.00360.
gnomAD v4.1: 5,666 of 1,613,868 alleles (0.35%); highest among the groups gnomAD compares: Middle Eastern, 0.66%; 16 homozygotes.

Submission:

CeGaT Center for Human Genetics Tuebingen
Classification: Likely benign. Last evaluated: 2022-08-01. Review status: criteria provided, single submitter. Criteria: CeGaT Center For Human Genetics Tuebingen Variant Classification Criteria Version 2. Collection method: clinical testing. Allele origin: germline. Affected: yes. Observed: 1 variant allele.
Comment: SNX29: BP4, BS2

NM_032167.5(SNX29):c.853A>T (p.Thr285Ser)

Gene: SNX29 (sorting nexin 29; plus strand). Cytogenetic location: 16p13.13.
Variant type: single nucleotide variant.
Coding change: c.853A>T on transcript NM_032167.5 (MANE Select); coding-DNA position 853, A replaced by T.
Protein change: p.Thr285Ser; replaces threonine 285 with serine.
Molecular consequence: missense variant.
Genome position (GRCh38, 1-based): chr16:12,051,951, A>T. VCF-style: chr16-12051951-A-T. GRCh37 (hg19) VCF-style: chr16-12145808-A-T.
Other names: c.853A>T, p.Thr285Ser (NM_001376490.1); short protein forms T285S.
Identifiers: ClinVar variation 2646235 (VCV002646235.24), dbSNP rs150300274, ClinGen allele CA7908486.
Genomic context (GRCh38, chr16:12,051,951, plus strand): 5'-AACATAATCTCATTTGATGATGAGGAAGATGAGCAGAACTCTGGGGACGTGTTTAAAAAG[A>T]CACCTGGGGCAGGGGAGAGCTCAGAGGACAACTCCGACCGCTCCTCTGTCAATATCATGT-3'
Protein context (NP_115543.3, residues 275-295): EQNSGDVFKK[Thr285Ser]PGAGESSEDN